The following is an entry in ClinVar:

NM_001267550.2(TTN):c.89492A>C (p.Lys29831Thr)

Genes: TTN (titin; minus strand), TTN-AS1 (TTN antisense RNA 1; plus strand). Cytogenetic location: 2q31.2.
Variant type: single nucleotide variant.
Coding change: c.89492A>C on transcript NM_001267550.2 (MANE Select); coding-DNA position 89492, A replaced by C.
Protein change: p.Lys29831Thr; replaces lysine 29831 with threonine.
Molecular consequence: missense variant.
Genome position (GRCh38, 1-based): chr2:178,553,513, T>G on the plus strand (A>C on the coding strand, the complement: TTN is on the minus strand). VCF-style: chr2-178553513-T-G. GRCh37 (hg19) VCF-style: chr2-179418240-T-G.
Other names: c.84569A>C, p.Lys28190Thr (NM_001256850.1); c.62297A>C, p.Lys20766Thr (NM_003319.4); c.81788A>C, p.Lys27263Thr (NM_133378.4); c.62672A>C, p.Lys20891Thr (NM_133432.3); c.62873A>C, p.Lys20958Thr (NM_133437.4); short protein forms K20766T, K20891T, K20958T, K27263T, K28190T, K29831T.
Identifiers: ClinVar variation 1217287 (VCV001217287.1), dbSNP rs1404072291, ClinGen allele CA349518234.

ClinVar aggregate classification (germline): Uncertain significance (1 of 4 stars; one submission).

Allele frequency attached by ClinVar (database versions not stated): gnomAD exomes below 0.00001; gnomAD 0.00001.
gnomAD v4.1: 4 of 1,610,140 alleles (0.00025%); highest among the groups gnomAD compares: Non-Finnish European, 0.00025%; no homozygotes.

Submission:

Women's Health and Genetics/Laboratory Corporation of America, LabCorp
Classification: Uncertain significance. Last evaluated: 2021-08-30. Review status: criteria provided, single submitter. Criteria: LabCorp Variant Classification Summary - May 2015. Collection method: clinical testing. Allele origin: germline.
Comment: Variant summary: TTN c.81788A>C (p.Lys27263Thr) results in a non-conservative amino acid change located in the A-band region of the encoded protein sequence. Three of four in-silico tools predict a damaging effect of the variant on protein function. The variant allele was found at a frequency of 1.3e-05 in 150996 control chromosomes (gnomAD v3.1 genomes dataset). The available data on variant occurrences in the general population are insufficient to allow any conclusion about variant significance. To our knowledge, no occurrence of c.81788A>C in individuals affected with Dilated Cardiomyopathy and no experimental evidence demonstrating its impact on protein function have been reported. No clinical diagnostic laboratories have submitted clinical-significance assessments for this variant to ClinVar after 2014. Based on the evidence outlined above, the variant was classified as uncertain significance.